The following is an entry in ClinVar:

ClinVar aggregate classification (germline): Likely benign (1 of 4 stars; one submission).

Allele frequency attached by ClinVar (database versions not stated): gnomAD 0.00001; TOPMed 0.00001; gnomAD exomes 0.00002.
gnomAD v4.1: 35 of 1,471,586 alleles (0.0024%); highest among the groups gnomAD compares: Non-Finnish European, 0.0029%; no homozygotes.

Submission:

CeGaT Center for Human Genetics Tuebingen
Classification: Likely benign. Last evaluated: 2023-06-01. Review status: criteria provided, single submitter. Criteria: CeGaT Center For Human Genetics Tuebingen Variant Classification Criteria Version 2. Collection method: clinical testing. Allele origin: germline. Affected: yes. Observed: 1 variant allele.
Comment: WDR81: BP4, BP7

NM_001163809.2(WDR81):c.51G>A (p.Gly17=)

Gene: WDR81 (WD repeat domain 81; plus strand). Cytogenetic location: 17p13.3.
Variant type: single nucleotide variant.
Coding change: c.51G>A on transcript NM_001163809.2 (MANE Select); coding-DNA position 51, G replaced by A.
Protein change: p.Gly17=; no amino-acid change (glycine 17 retained).
Molecular consequence: synonymous variant. On other transcripts: intron variant (3).
Genome position (GRCh38, 1-based): chr17:1,725,010, G>A. VCF-style: chr17-1725010-G-A. GRCh37 (hg19) VCF-style: chr17-1628304-G-A.
Other names: c.-123-2980G>A (NM_152348.4); c.59-5370G>A (NM_001163673.2); c.-15+224G>A (NM_001163811.2).
Identifiers: ClinVar variation 2570964 (VCV002570964.27), dbSNP rs998228650, ClinGen allele CA286867690.